The following is an entry in ClinVar:

ClinVar aggregate classification (germline): Likely pathogenic (1 of 4 stars; one submission).

Conditions:
Nemaline myopathy 2 (NEM2). Also called: Nemaline myopathy 2, autosomal recessive. Identifiers: MedGen C1850569, MONDO:0009725, OMIM 256030.

Submission:

Myriad Genetics, Inc.
Classification: Likely pathogenic for Nemaline myopathy 2. Last evaluated: 2021-12-16. Review status: criteria provided, single submitter. Criteria: Myriad Women's Health Autosomal Recessive and X-Linked Classification Criteria (2021). Collection method: clinical testing. Allele origin: unknown.
Comment: NM_001271208.1(NEB):c.6638delTinsGTA(F2213Cfs*5) is expected to be pathogenic in the context of NEB-related nemaline myopathy. This variant is predicted to lead to an abnormal or absent protein product due to the creation of a premature termination codon in NEB, a gene where loss-of-function variants are known to be pathogenic. Please note: this variant was assessed in the context of healthy population screening.

NM_001164508.2(NEB):c.6638delinsGTA (p.Phe2213fs)

Gene: NEB (nebulin; minus strand). Cytogenetic location: 2q23.3.
Variant type: Indel.
Coding change: c.6638delinsGTA on transcript NM_001164508.2 (MANE Select); coding-DNA position 6638, T replaced by GTA.
Protein change: p.Phe2213fs; shifts the reading frame from phenylalanine 2213.
Molecular consequence: frameshift variant.
Genome position (GRCh38, 1-based): chr2:151,655,881, A replaced by TAC on the plus strand (T replaced by GTA on the coding strand, the reverse complement: NEB is on the minus strand). VCF-style: chr2-151655881-A-TAC. GRCh37 (hg19) VCF-style: chr2-152512395-A-TAC.
Other names: c.6638delinsGTA, p.Phe2213fs (NM_001164507.2, NM_001271208.2, NM_004543.5); short protein forms F2213fs.
Identifiers: ClinVar variation 1726386 (VCV001726386.2), dbSNP rs2552252624, ClinGen allele CA2580063978.